The following is an entry in ClinVar:

NM_003322.6(TULP1):c.1255C>T (p.Arg419Trp)

Gene: TULP1 (TUB like protein 1; minus strand). Cytogenetic location: 6p21.31.
Variant type: single nucleotide variant.
Coding change: c.1255C>T on transcript NM_003322.6 (MANE Select); coding-DNA position 1255, C replaced by T.
Protein change: p.Arg419Trp; replaces arginine 419 with tryptophan.
Molecular consequence: missense variant.
Genome position (GRCh38, 1-based): chr6:35,503,627, G>A on the plus strand (C>T on the coding strand, the complement: TULP1 is on the minus strand). VCF-style: chr6-35503627-G-A. GRCh37 (hg19) VCF-style: chr6-35471404-G-A.
Other names: c.1096C>T, p.Arg366Trp (NM_001289395.2); c.1255C>T (NM_003322.3); short protein forms R366W, R419W.
Identifiers: ClinVar variation 1069193 (VCV001069193.11), dbSNP rs775334320, ClinGen allele CA363779166.

ClinVar aggregate classification (germline): Pathogenic/Likely pathogenic. Review status: criteria provided, multiple submitters, no conflicts (2 of 4 stars). 6 submissions from 6 submitters: Pathogenic (4); Likely pathogenic (2). Last evaluated 2025-08-01.

Conditions:
TULP1-related disorder. Also called: TULP1-related condition; TULP1-related disorders.
Retinal dystrophy. Also called: Inherited retinal dystrophy. Identifiers: Orphanet 71862, MedGen C0854723, MeSH D058499, MONDO:0019118, HP:0000556.
Leber congenital amaurosis 15 (LCA15). Identifiers: Orphanet 65, MedGen C3151206, MONDO:0013457, OMIM 613843.
Retinitis pigmentosa 14 (RP14). Also called: RETINITIS PIGMENTOSA, JUVENILE, TULP1-RELATED. Identifiers: Orphanet 791, MedGen C1838603, MONDO:0010827, OMIM 600132.

Allele frequency attached by ClinVar (database versions not stated): TOPMed 0.00001.

Submissions (6):

Chongqing Key Laboratory of Prevention and Treatment of Major Blinding Diseases, The First Affiliated Hospital of Chongqing Medical University
Classification: Pathogenic for Retinitis pigmentosa 14. Last evaluated: 2025-08-01. Review status: criteria provided, single submitter. Criteria: ACMG Guidelines, 2015. Collection method: clinical testing. Allele origin: germline. Inheritance: Autosomal recessive inheritance. Affected: yes and no. Observed: 2 heterozygotes, 2 homozygotes. Clinical features observed: Rod-cone dystrophy (HP:0000510), Night blindness (HP:0000662). Segregation with disease observed.
Comment: ACMG criteria applied: PM2_Supporting, PM3, PM5_Supporting, PP1_Moderate, PP3. This homozygous variant (c.1255C>T) segregates with disease in an autosomal recessive manner within family CMUFAM002.

Labcorp Genetics (formerly Invitae), Labcorp
Classification: Pathogenic. Last evaluated: 2025-07-13. Review status: criteria provided, single submitter. Criteria: Invitae Variant Classification Sherloc (09022015). Collection method: clinical testing. Allele origin: germline.
Comment: This sequence change replaces arginine, which is basic and polar, with tryptophan, which is neutral and slightly polar, at codon 419 of the TULP1 protein (p.Arg419Trp). This variant is not present in population databases (gnomAD no frequency). This missense change has been observed in individuals with clinical features of reitinitis pigmentosa or Leber congenital amaurosis (PMID: 25342620, 26047050, 29843741; internal data). It has also been observed to segregate with disease in related individuals. ClinVar contains an entry for this variant (Variation ID: 1069193). Invitae Evidence Modeling of protein sequence and biophysical properties (such as structural, functional, and spatial information, amino acid conservation, physicochemical variation, residue mobility, and thermodynamic stability) indicates that this missense variant is expected to disrupt TULP1 protein function with a positive predictive value of 95%. For these reasons, this variant has been classified as Pathogenic.

Blueprint Genetics
Classification: Pathogenic for TULP1-related disorders. Last evaluated: 2024-04-18. Review status: criteria provided, single submitter. Criteria: ACMG Guidelines, 2015. Collection method: clinical testing. Allele origin: germline. Affected: yes. Observed: 5 variant alleles.

Fulgent Genetics
Classification: Pathogenic for Retinitis pigmentosa 14; Leber congenital amaurosis 15. Last evaluated: 2024-03-21. Review status: criteria provided, single submitter. Criteria: ACMG Guidelines, 2015. Collection method: clinical testing. Allele origin: germline.

GeneDx
Classification: Likely pathogenic. Last evaluated: 2024-01-17. Review status: criteria provided, single submitter. Criteria: GeneDx Variant Classification Process June 2021. Collection method: clinical testing. Allele origin: germline. Affected: yes.
Comment: In silico analysis supports that this missense variant has a deleterious effect on protein structure/function; Not observed at significant frequency in large population cohorts (gnomAD); This variant is associated with the following publications: (PMID: 25342620, 28127548, 29843741, 26047050)

Dept Of Ophthalmology, Nagoya University
Classification: Likely pathogenic for Retinal dystrophy. Last evaluated: 2023-10-01. Review status: criteria provided, single submitter. Criteria: Submitter's publication. Collection method: research. Allele origin: germline. Affected: yes.

Literature cited by the submitters: PubMed 36729443 (cited by Chongqing Key Laboratory of Prevention and Treatment of Major Blinding Diseases, The First Affiliated Hospital of Chongqing Medical University); PubMed 26047050 (cited by Chongqing Key Laboratory of Prevention and Treatment of Major Blinding Diseases, The First Affiliated Hospital of Chongqing Medical University and Labcorp Genetics (formerly Invitae), Labcorp); PubMed 25342620 (cited by Chongqing Key Laboratory of Prevention and Treatment of Major Blinding Diseases, The First Affiliated Hospital of Chongqing Medical University and Labcorp Genetics (formerly Invitae), Labcorp); PubMed 29843741 (cited by Chongqing Key Laboratory of Prevention and Treatment of Major Blinding Diseases, The First Affiliated Hospital of Chongqing Medical University and Labcorp Genetics (formerly Invitae), Labcorp).